The following is an entry in ClinVar:

NM_021614.4(KCNN2):c.2330G>T (p.Arg777Leu)

Genes: KCNN2-AS1 (KCNN2 antisense RNA 1; minus strand), KCNN2 (potassium calcium-activated channel subfamily N member 2; plus strand). Cytogenetic location: 5q22.3.
Variant type: single nucleotide variant.
Coding change: c.2330G>T on transcript NM_021614.4 (MANE Select); coding-DNA position 2330, G replaced by T.
Protein change: p.Arg777Leu; replaces arginine 777 with leucine.
Molecular consequence: missense variant. On other transcripts: non-coding transcript variant (3).
Genome position (GRCh38, 1-based): chr5:114,496,136, G>T. VCF-style: chr5-114496136-G-T. GRCh37 (hg19) VCF-style: chr5-113831833-G-T.
Other names: c.2528G>T, p.Arg843Leu (NM_001372233.1); c.650G>T, p.Arg217Leu (NM_170775.3); short protein forms R217L, R777L, R843L.
Identifiers: ClinVar variation 4886700 (VCV004886700.2).

ClinVar aggregate classification (germline): Uncertain significance (1 of 4 stars; one submission).

Submission:

Dasa
Classification: Uncertain significance. Last evaluated: 2025-09-24. Review status: criteria provided, single submitter. Criteria: DASA Assertion Criteria. Collection method: clinical testing. Allele origin: germline.
Comment: NM_021614.4(KCNN2):c.2330G>T (p.Arg777Leu) is a missense variant that results in the substitution of arginine with leucine. This variant is absent from population databases. The currently available literature and clinical evidence are not sufficient to establish a definitive association between this variant and the reported condition. Therefore, this variant is classified as a variant of uncertain significance.